The following is an entry in ClinVar:

ClinVar aggregate classification (germline): Uncertain significance (1 of 4 stars; one submission).

Submission:

Labcorp Genetics (formerly Invitae), Labcorp
Classification: Uncertain significance. Last evaluated: 2024-03-26. Review status: criteria provided, single submitter. Criteria: Invitae Variant Classification Sherloc (09022015). Collection method: clinical testing. Allele origin: germline.
Comment: This sequence change replaces valine, which is neutral and non-polar, with leucine, which is neutral and non-polar, at codon 554 of the MYH7B protein (p.Val554Leu). This variant is not present in population databases (gnomAD no frequency). This variant has not been reported in the literature in individuals affected with MYH7B-related conditions. Advanced modeling of protein sequence and biophysical properties (such as structural, functional, and spatial information, amino acid conservation, physicochemical variation, residue mobility, and thermodynamic stability) performed at Invitae indicates that this missense variant is not expected to disrupt MYH7B protein function with a negative predictive value of 80%. In summary, the available evidence is currently insufficient to determine the role of this variant in disease. Therefore, it has been classified as a Variant of Uncertain Significance.

NM_020884.7(MYH7B):c.1534G>C (p.Val512Leu)

Gene: MYH7B (myosin heavy chain 7B; plus strand). Cytogenetic location: 20q11.22.
Variant type: single nucleotide variant.
Coding change: c.1534G>C on transcript NM_020884.7 (MANE Select); coding-DNA position 1534, G replaced by C.
Protein change: p.Val512Leu; replaces valine 512 with leucine.
Molecular consequence: missense variant.
Genome position (GRCh38, 1-based): chr20:34,988,209, G>C. VCF-style: chr20-34988209-G-C. GRCh37 (hg19) VCF-style: chr20-33576012-G-C.
Other names: short protein forms V512L.
Identifiers: ClinVar variation 3681476 (VCV003681476.2).
Genomic context (GRCh38, chr20:34,988,209, plus strand): 5'-TTCAACCAGCACATGTTTGTGCTGGAGCAGGAGGAGTACAAGCGGGAGGGCATCGACTGG[G>C]TCTTCATCGACTTCGGCCTTGACCTGCAGCCTTGCATCGACCTCATCGAGAAGGTGGGTG-3'
Protein context (NP_065935.4, residues 502-522): EEYKREGIDW[Val512Leu]FIDFGLDLQP